The following is an entry in ClinVar:

ClinVar aggregate classification (germline): Pathogenic (1 of 4 stars; one submission).

Conditions:
Maple syrup urine disease (MSUD). Identifiers: Orphanet 511, MedGen C0024776, MeSH D008375, MONDO:0009563. Disease mechanism: loss of function.

Submission:

Labcorp Genetics (formerly Invitae), Labcorp
Classification: Pathogenic for Maple syrup urine disease. Last evaluated: 2023-12-10. Review status: criteria provided, single submitter. Criteria: Invitae Variant Classification Sherloc (09022015). Collection method: clinical testing. Allele origin: unknown.
Comment: This variant is a gross deletion of the genomic region encompassing exon(s) 10 of the BCKDHB gene, which includes the termination codon. This deletion extends beyond the assayed region for this gene and therefore may encompass additional genes. While this deletion is not anticipated to lead to nonsense mediated decay, it is expected to alter mRNA translation or result in a truncated protein product. This variant has not been reported in the literature in individuals affected with BCKDHB-related conditions. This variant disrupts a region of the BCKDHB protein in which other variant(s) (p.Pro356Leu) have been determined to be pathogenic (PMID: 18378174, 31980395, 33955723; Invitae). This suggests that this is a clinically significant region of the protein, and that variants that disrupt it are likely to be disease-causing. For these reasons, this variant has been classified as Pathogenic.

Literature cited by the submitters: PubMed 18378174; PubMed 31980395; PubMed 33955723.

NC_000006.11:g.(?_81053361)_(81053521_?)del

Gene: BCKDHB (branched chain keto acid dehydrogenase E1 subunit beta; plus strand). Cytogenetic location: 6q14.1.
Variant type: Deletion.
Identifiers: ClinVar variation 3245950 (VCV003245950.1).